The following is an entry in ClinVar:

NM_001244008.2(KIF1A):c.1978C>G (p.Arg660Gly)

Gene: KIF1A (kinesin family member 1A; minus strand). Cytogenetic location: 2q37.3.
Variant type: single nucleotide variant.
Coding change: c.1978C>G on transcript NM_001244008.2 (MANE Select); coding-DNA position 1978, C replaced by G.
Protein change: p.Arg660Gly; replaces arginine 660 with glycine.
Molecular consequence: missense variant.
Genome position (GRCh38, 1-based): chr2:240,763,063, G>C on the plus strand (C>G on the coding strand, the complement: KIF1A is on the minus strand). VCF-style: chr2-240763063-G-C. GRCh37 (hg19) VCF-style: chr2-241702480-G-C.
Other names: c.1978C>G, p.Arg660Gly (NM_001320705.2, NM_001330289.2, NM_001379638.1); c.2053C>G, p.Arg685Gly (NM_001330290.2, NM_001379631.1, NM_001379634.1 and 2 more transcripts); c.1951C>G, p.Arg651Gly (NM_001379632.1, NM_001379633.1, NM_001379636.1 and 10 more transcripts); c.2026C>G, p.Arg676Gly (NM_001379637.1, NM_001379648.1); short protein forms R651G, R660G, R676G, R685G.
Identifiers: ClinVar variation 3763265 (VCV003763265.2).

ClinVar aggregate classification (germline): Uncertain significance (1 of 4 stars; one submission).

Conditions:
Neuropathy, hereditary sensory, type 2C. Also called: KIF1A-Related HSAN2 (HSAN2C); Hereditary sensory and autonomic neuropathy type IIC. Identifiers: Orphanet 970, MedGen C3280168, MONDO:0013634, OMIM 614213.
Hereditary spastic paraplegia 30. Identifiers: Orphanet 101010, MedGen C5235139, MONDO:0012476.
Intellectual disability, autosomal dominant 9 (NESCAVS). Also called: KIF1A-Related Neurodevelopmental Disorder; NESCAV SYNDROME. Identifiers: Orphanet 662367, MedGen C5393830, MONDO:0013656, OMIM 614255.

gnomAD v4.1: 4 of 1,560,600 alleles (0.00026%); highest among the groups gnomAD compares: Non-Finnish European, 0.00035%; no homozygotes.

Submission:

Labcorp Genetics (formerly Invitae), Labcorp
Classification: Uncertain significance for Hereditary spastic paraplegia 30; Neuropathy, hereditary sensory, type 2C; Intellectual disability, autosomal dominant 9. Last evaluated: 2025-01-12. Review status: criteria provided, single submitter. Criteria: Invitae Variant Classification Sherloc (09022015). Collection method: clinical testing. Allele origin: germline.
Comment: This sequence change replaces arginine, which is basic and polar, with glycine, which is neutral and non-polar, at codon 651 of the KIF1A protein (p.Arg651Gly). This variant is present in population databases (rs755461108, gnomAD 0.001%). This variant has not been reported in the literature in individuals affected with KIF1A-related conditions. Invitae Evidence Modeling of protein sequence and biophysical properties (such as structural, functional, and spatial information, amino acid conservation, physicochemical variation, residue mobility, and thermodynamic stability) has been performed for this missense variant. However, the output from this modeling did not meet the statistical confidence thresholds required to predict the impact of this variant on KIF1A protein function. In summary, the available evidence is currently insufficient to determine the role of this variant in disease. Therefore, it has been classified as a Variant of Uncertain Significance.